The following is an entry in ClinVar:

NC_000005.10:g.112848715G>A

Variant type: single nucleotide variant.
Genome position: GRCh38 VCF-style: chr5-112848715-G-A. GRCh37 (hg19) VCF-style: chr5-112184412-G-A.
Identifiers: ClinVar variation 83282 (VCV000083282.3), dbSNP rs78319369, ClinGen allele CA250974.
Genomic context (GRCh38, chr5:112,848,715, plus strand): 5'-CAGTGAGCTGTAAGCCCTCCAGCCTGGATGACAAAGCAAGACCCTGTCTCTTAAAAAAAA[G>A]AAAAAAAAAATCCTAGGGGTAACATAGTGAGACCTCGTCTCTACAAAAAATTAGCTGGGC-3'

ClinVar aggregate classification (germline): other (0 of 4 stars; one submission).

Conditions:
Familial colorectal cancer. Identifiers: MedGen CN280943, MONDO:0023113. Disease mechanism: loss of function.

Submission:

Systems Biology Platform Zhejiang California International NanoSystems Institute
Classification: other for Familial colorectal cancer. Review status: no assertion criteria provided. Collection method: not provided. Allele origin: unknown.
ClinVar note: Converted during submission from cancer to other.